The following is an entry in ClinVar:

ClinVar aggregate classification (germline): Uncertain significance (1 of 4 stars; one submission).

Conditions:
Hearing loss, autosomal dominant 74. Also called: DEAFNESS, AUTOSOMAL DOMINANT 74. Identifiers: MedGen C4748334, MONDO:0029137, OMIM 618140.

gnomAD v4.1: 1 of 152,466 alleles (0.00066%); highest among the groups gnomAD compares: South Asian, 0.021%; no homozygotes.

Submission:

Neuberg Centre For Genomic Medicine, NCGM
Classification: Uncertain significance for Hearing loss, autosomal dominant 74. Last evaluated: 2023-06-22. Review status: criteria provided, single submitter. Criteria: ACMG Guidelines, 2015. Collection method: clinical testing. Allele origin: germline. Inheritance: Autosomal dominant inheritance. Affected: yes.
Comment: The missense c.206A>T(p.His69Leu) variant in PDE1C gene has not been reported previously as a pathogenic variant nor as a benign variant, to our knowledge. The p.His69Leu variant is absent in gnomAD Exomes. This variant has not been submitted to the ClinVar database. The amino acid His at position 69 is changed to a Leu changing protein sequence and it might alter its composition and physico-chemical properties. For these reasons, this variant has been classified as a Variant of Uncertain Significance (VUS).

NM_001322059.2(PDE1C):c.206A>T (p.His69Leu)

Gene: PDE1C (phosphodiesterase 1C; minus strand). Cytogenetic location: 7p14.3.
Variant type: single nucleotide variant.
Coding change: c.206A>T on transcript NM_001322059.2; coding-DNA position 206, A replaced by T.
Protein change: p.His69Leu; replaces histidine 69 with leucine.
Molecular consequence: missense variant.
Genome position (GRCh38, 1-based): chr7:32,427,926, T>A on the plus strand (A>T on the coding strand, the complement: PDE1C is on the minus strand). VCF-style: chr7-32427926-T-A. GRCh37 (hg19) VCF-style: chr7-32467538-T-A.
Other names: short protein forms H69L.
Identifiers: ClinVar variation 3731506 (VCV003731506.1).